The following is an entry in ClinVar:

NM_001167.4(XIAP):c.*803G>T

Gene: XIAP (X-linked inhibitor of apoptosis; plus strand). Cytogenetic location: Xq25.
Variant type: single nucleotide variant.
Coding change: c.*803G>T on transcript NM_001167.4 (MANE Select); 803 bases downstream of the stop codon, G replaced by T.
Molecular consequence: 3 prime UTR variant. On other transcripts: non-coding transcript variant (2).
Genome position (GRCh38, 1-based): chrX:123,907,984, G>T. VCF-style: chrX-123907984-G-T. GRCh37 (hg19) VCF-style: chrX-123041834-G-T.
Other names: c.*803G>T (NM_001204401.2, NM_001378590.1, NM_001378591.1 and 1 more transcripts).
Identifiers: ClinVar variation 367801 (VCV000367801.6), dbSNP rs28382742, ClinGen allele CA10508236.

ClinVar aggregate classification (germline): Benign. Review status: criteria provided, multiple submitters, no conflicts (2 of 4 stars). 2 submissions from 2 submitters: Benign (2). Last evaluated 2017-04-27.

Conditions:
X-linked lymphoproliferative disease due to XIAP deficiency. Also called: XIAP DEFICIENCY; XIAP-Related Lymphoproliferative Disease, X-Linked. Identifiers: Orphanet 2442, Orphanet 538934, MedGen C1845076, MONDO:0010385, OMIM 300635.

Allele frequency attached by ClinVar (database versions not stated): gnomAD 0.16745 and 0.17183; TOPMed 0.19128; gnomAD exomes 0.21277 and 0.23669; 1000 Genomes Project 30x 0.25286; 1000 Genomes Project 0.26437; ExAC 0.33722.
gnomAD v4.1: 71,170 of 356,442 alleles (20%); highest among the groups gnomAD compares: South Asian, 38%; 5,338 homozygotes.

Submissions (2):

Illumina Laboratory Services, Illumina
Classification: Benign for X-linked lymphoproliferative disease due to XIAP deficiency. Last evaluated: 2017-04-27. Review status: criteria provided, single submitter. Criteria: ICSL Variant Classification Criteria 13 December 2019. Collection method: clinical testing. Allele origin: germline.
Comment: This variant was observed as part of a predisposition screen in an ostensibly healthy population. A literature search was performed for the gene, cDNA change, and amino acid change (where applicable). No publications were found based on this search. Allele frequency data from public databases was too high to be consistent with this variant causing disease. Therefore, this variant is classified as benign.

Breakthrough Genomics
Classification: Benign. Review status: criteria provided, single submitter. Criteria: ACMG Guidelines, 2015. Collection method: not provided. Allele origin: germline. Inheritance: X-linked inheritance. Affected: yes.